The following is an entry in ClinVar:

NM_000095.3(COMP):c.1214A>T (p.Asp405Val)

Gene: COMP (cartilage oligomeric matrix protein; minus strand). Cytogenetic location: 19p13.11.
Variant type: single nucleotide variant.
Coding change: c.1214A>T on transcript NM_000095.3 (MANE Select); coding-DNA position 1214, A replaced by T.
Protein change: p.Asp405Val; replaces aspartic acid 405 with valine.
Molecular consequence: missense variant.
Genome position (GRCh38, 1-based): chr19:18,786,572, T>A on the plus strand (A>T on the coding strand, the complement: COMP is on the minus strand). VCF-style: chr19-18786572-T-A. GRCh37 (hg19) VCF-style: chr19-18897382-T-A.
Other names: c.1214A>T (NM_000095.2); short protein forms D405V.
Identifiers: ClinVar variation 4941618 (VCV004941618.2).
Genomic context (GRCh38, chr19:18,786,572, plus strand): 5'-GGAGTCTGGCCTGCCCTCACCTGATCCGGGTTGCTCTTCTGGGGACAGTTGTCACAGGCA[T>A]CCCCTATACCATCGCCATCACTGTCCTTCTGGTCTGAGTTGGGTACCCTAGGGCAGTTGT-3'
Protein context (NP_000086.2, residues 395-415): QKDSDGDGIG[Asp405Val]ACDNCPQKSN

ClinVar aggregate classification (germline): Uncertain significance. Review status: criteria provided, multiple submitters, no conflicts (2 of 4 stars). 2 submissions from 2 submitters: Uncertain significance (2). Last evaluated 2024-10-30.

Conditions:
COMP-related disorder. Also called: COMP-related condition; COMP-related disorders.

Submissions (2):

PreventionGenetics, part of Exact Sciences
Classification: Uncertain significance for COMP-related condition. Last evaluated: 2024-10-30. Review status: criteria provided, single submitter. Criteria: ACMG Guidelines, 2015. Collection method: clinical testing. Allele origin: germline.
Comment: The COMP c.1214A>T variant is predicted to result in the amino acid substitution p.Asp405Val. To our knowledge, this variant has not been reported in the literature or in a large population database (gnomAD), indicating this variant is rare. At this time, the clinical significance of this variant is uncertain due to the absence of conclusive functional and genetic evidence.

Blueprint Genetics
Classification: Uncertain significance. Last evaluated: 2019-09-05. Review status: criteria provided, single submitter. Criteria: ACMG Guidelines, 2015. Collection method: clinical testing. Allele origin: germline.